The following is an entry in ClinVar:

NM_002693.3(POLG):c.3511A>G (p.Asn1171Asp)

Gene: POLG (DNA polymerase gamma, catalytic subunit; minus strand). Cytogenetic location: 15q26.1.
Variant type: single nucleotide variant.
Coding change: c.3511A>G on transcript NM_002693.3 (MANE Select); coding-DNA position 3511, A replaced by G.
Protein change: p.Asn1171Asp; replaces asparagine 1171 with aspartic acid.
Molecular consequence: missense variant.
Genome position (GRCh38, 1-based): chr15:89,317,508, T>C on the plus strand (A>G on the coding strand, the complement: POLG is on the minus strand). VCF-style: chr15-89317508-T-C. GRCh37 (hg19) VCF-style: chr15-89860739-T-C.
Other names: c.3511A>G, p.Asn1171Asp (NM_001126131.2); short protein forms N1171D.
Identifiers: ClinVar variation 1414617 (VCV001414617.8), dbSNP rs1567184138, ClinGen allele CA393748017.

ClinVar aggregate classification (germline): Uncertain significance (1 of 4 stars; one submission).

Conditions:
Progressive sclerosing poliodystrophy (MTDPS4A). Also called: ALPERS PROGRESSIVE INFANTILE POLIODYSTROPHY; NEURONAL DEGENERATION OF CHILDHOOD WITH LIVER DISEASE, PROGRESSIVE; Alpers Syndrome; ALPERS DIFFUSE DEGENERATION OF CEREBRAL GRAY MATTER WITH HEPATIC CIRRHOSIS; Alpers-Huttenlocher Syndrome; Mitochondrial DNA depletion syndrome 4A (Alpers type). Identifiers: Orphanet 726, MedGen C0205710, MONDO:0008758, OMIM 203700.

Allele frequency attached by ClinVar (database versions not stated): gnomAD exomes below 0.00001.
gnomAD v4.1: 2 of 1,614,174 alleles (0.00012%); highest among the groups gnomAD compares: Admixed American, 0.0033%; no homozygotes.

Submission:

Labcorp Genetics (formerly Invitae), Labcorp
Classification: Uncertain significance for Progressive sclerosing poliodystrophy. Last evaluated: 2025-05-08. Review status: criteria provided, single submitter. Criteria: Invitae Variant Classification Sherloc (09022015). Collection method: clinical testing. Allele origin: germline.
Comment: This sequence change replaces asparagine, which is neutral and polar, with aspartic acid, which is acidic and polar, at codon 1171 of the POLG protein (p.Asn1171Asp). This variant is not present in population databases (gnomAD no frequency). This variant has not been reported in the literature in individuals affected with POLG-related conditions. ClinVar contains an entry for this variant (Variation ID: 1414617). Invitae Evidence Modeling of protein sequence and biophysical properties (such as structural, functional, and spatial information, amino acid conservation, physicochemical variation, residue mobility, and thermodynamic stability) indicates that this missense variant is not expected to disrupt POLG protein function with a negative predictive value of 95%. In summary, the available evidence is currently insufficient to determine the role of this variant in disease. Therefore, it has been classified as a Variant of Uncertain Significance.